The following is an entry in ClinVar:

ClinVar aggregate classification (germline): Pathogenic (1 of 4 stars; one submission).

Conditions:
Primary ciliary dyskinesia. Also called: Ciliary dyskinesia. Identifiers: Orphanet 244, MedGen C0008780, MONDO:0016575, HP:0012265.

Submission:

Labcorp Genetics (formerly Invitae), Labcorp
Classification: Pathogenic for Primary ciliary dyskinesia. Last evaluated: 2023-02-08. Review status: criteria provided, single submitter. Criteria: Invitae Variant Classification Sherloc (09022015). Collection method: clinical testing. Allele origin: germline.
Comment: This sequence change creates a premature translational stop signal (p.Gln159Argfs*36) in the DNAI2 gene. It is expected to result in an absent or disrupted protein product. Loss-of-function variants in DNAI2 are known to be pathogenic (PMID: 18950741, 23891469). This variant is not present in population databases (gnomAD no frequency). This variant has not been reported in the literature in individuals affected with DNAI2-related conditions. For these reasons, this variant has been classified as Pathogenic.

Literature cited by the submitters: PubMed 18950741; PubMed 23891469.

NM_023036.6(DNAI2):c.475del (p.Gln159fs)

Gene: DNAI2 (dynein axonemal intermediate chain 2; plus strand). Cytogenetic location: 17q25.1.
Variant type: Deletion.
Coding change: c.475del on transcript NM_023036.6 (MANE Select); coding-DNA position 475, one base deleted (C; older notation c.475delC).
Protein change: p.Gln159fs; shifts the reading frame from glutamine 159.
Molecular consequence: frameshift variant. On other transcripts: non-coding transcript variant (1).
Genome position (GRCh38, 1-based): chr17:74,289,601, C deleted; the last of 5 consecutive C bases (chr17:74,289,597-74,289,601); deleting any one gives the same sequence. VCF-style (leftmost placement, unchanged base first): chr17-74289596-AC-A. GRCh37 (hg19) VCF-style: chr17-72285735-AC-A.
Other names: c.475del, p.Gln159fs (NM_001172810.3, NM_001353167.2); short protein forms Q159fs.
Identifiers: ClinVar variation 2887980 (VCV002887980.3), dbSNP rs1242821238, ClinGen allele CA774963895.